The following is an entry in ClinVar:

NM_000459.5(TEK):c.760+5G>T

Gene: TEK (TEK receptor tyrosine kinase; plus strand). Cytogenetic location: 9p21.2.
Variant type: single nucleotide variant.
Coding change: c.760+5G>T on transcript NM_000459.5 (MANE Select); 5 bases into the intron after coding-DNA position 760, G replaced by T.
Molecular consequence: intron variant.
Genome position (GRCh38, 1-based): chr9:27,172,752, G>T. VCF-style: chr9-27172752-G-T. GRCh37 (hg19) VCF-style: chr9-27172750-G-T.
Other names: c.760+5G>T (NM_001290077.2, NM_001375475.1, NM_001375476.1); c.448+5G>T (NM_001290078.2).
Identifiers: ClinVar variation 914143 (VCV000914143.4), dbSNP rs773568497, ClinGen allele CA5015995.

ClinVar aggregate classification (germline): Likely benign (1 of 4 stars; one submission).

Conditions:
Multiple cutaneous and mucosal venous malformations (VMCM). Also called: TEK-Related Multiple Cutaneous and Mucosal Venous Malformations (VMCM). Identifiers: Orphanet 2451, MedGen C1838437, MONDO:0010842, OMIM 600195.

Allele frequency attached by ClinVar (database versions not stated): gnomAD exomes 0.00001 and below 0.00001; ExAC 0.00002; gnomAD 0.00001.
gnomAD v4.1: 5 of 1,613,180 alleles (0.00031%); highest among the groups gnomAD compares: Non-Finnish European, 0.00042%; no homozygotes.

Submission:

Illumina Laboratory Services, Illumina
Classification: Likely benign for Multiple cutaneous and mucosal venous malformations. Last evaluated: 2018-01-13. Review status: criteria provided, single submitter. Criteria: ICSL Variant Classification Criteria 13 December 2019. Collection method: clinical testing. Allele origin: germline.
Comment: This variant was observed in the ICSL laboratory as part of a predisposition screen in an ostensibly healthy population. It had not been previously curated by ICSL or reported in the Human Gene Mutation Database (HGMD: prior to June 1st, 2018), and was therefore a candidate for classification through an automated scoring system. Utilizing variant allele frequency, disease prevalence and penetrance estimates, and inheritance mode, an automated score was calculated to assess if this variant is too frequent to cause the disease. Based on the score and internal cut-off values, a variant classified as likely benign is not then subjected to further curation. The score for this variant resulted in a classification of likely benign for this disease.